The following is an entry in ClinVar:

NM_006904.7(PRKDC):c.2602A>C (p.Lys868Gln)

Gene: PRKDC (protein kinase, DNA-activated, catalytic subunit; minus strand). Cytogenetic location: 8q11.21.
Variant type: single nucleotide variant.
Coding change: c.2602A>C on transcript NM_006904.7 (MANE Select); coding-DNA position 2602, A replaced by C.
Protein change: p.Lys868Gln; replaces lysine 868 with glutamine.
Molecular consequence: missense variant.
Genome position (GRCh38, 1-based): chr8:47,915,343, T>G on the plus strand (A>C on the coding strand, the complement: PRKDC is on the minus strand). VCF-style: chr8-47915343-T-G. GRCh37 (hg19) VCF-style: chr8-48827903-T-G.
Other names: c.2602A>C, p.Lys868Gln (NM_001081640.2); short protein forms K868Q.
Identifiers: ClinVar variation 1793692 (VCV001793692.2), dbSNP rs2551877058, ClinGen allele CA371159790.

ClinVar aggregate classification (germline): Uncertain significance (1 of 4 stars; one submission).

Allele frequency attached by ClinVar (database versions not stated): gnomAD exomes below 0.00001.
gnomAD v4.1: 3 of 1,541,412 alleles (0.00019%); highest among the groups gnomAD compares: Non-Finnish European, 0.00026%; no homozygotes.

Submission:

Ambry Genetics
Classification: Uncertain significance. Last evaluated: 2021-09-26. Review status: criteria provided, single submitter. Criteria: Ambry Variant Classification Scheme 2023. Collection method: clinical testing. Allele origin: germline.
Comment: The p.K868Q variant (also known as c.2602A>C), located in coding exon 23 of the PRKDC gene, results from an A to C substitution at nucleotide position 2602. The lysine at codon 868 is replaced by glutamine, an amino acid with similar properties. This amino acid position is conserved. In addition, this alteration is predicted to be tolerated by in silico analysis. Since supporting evidence is limited at this time, the clinical significance of this alteration remains unclear.